The following is an entry in ClinVar:

NM_000138.5(FBN1):c.382A>G (p.Ser128Gly)

Gene: FBN1 (fibrillin 1; minus strand). Cytogenetic location: 15q21.1.
Variant type: single nucleotide variant.
Coding change: c.382A>G on transcript NM_000138.5 (MANE Select); coding-DNA position 382, A replaced by G.
Protein change: p.Ser128Gly; replaces serine 128 with glycine.
Molecular consequence: missense variant.
Genome position (GRCh38, 1-based): chr15:48,600,199, T>C on the plus strand (A>G on the coding strand, the complement: FBN1 is on the minus strand). VCF-style: chr15-48600199-T-C. GRCh37 (hg19) VCF-style: chr15-48892396-T-C.
Other names: c.382A>G, p.Ser128Gly (NM_001406716.1, NM_001406717.1); short protein forms S128G.
Identifiers: ClinVar variation 1735328 (VCV001735328.3), dbSNP rs2505761081, ClinGen allele CA392446568.

ClinVar aggregate classification (germline): Uncertain significance. Review status: criteria provided, multiple submitters, no conflicts (2 of 4 stars). 2 submissions from 2 submitters: Uncertain significance (2). Last evaluated 2026-01-21.

Conditions:
Familial thoracic aortic aneurysm and aortic dissection (TAAD). Also called: Thoracic aortic aneurysms and dissections. Identifiers: Orphanet 91387, MedGen C4707243, MONDO:0019625.

Submissions (2):

GeneDx
Classification: Uncertain significance. Last evaluated: 2026-01-21. Review status: criteria provided, single submitter. Criteria: GeneDx Variant Classification Process June 2021. Collection method: clinical testing. Allele origin: germline.
Comment: Not observed at significant frequency in large population cohorts (gnomAD); In silico analysis supports that this missense variant has a deleterious effect on protein structure/function; Has not been previously published as pathogenic or benign to our knowledge; Does not affect a cysteine or calcium-binding residue within an EGF-like domain or a TGF-binding protein domain of the FBN1 gene; cysteine substitutions in the EGF-like domains represent the majority of pathogenic missense changes associated with FBN1-related disorders (PMID: 12938084); This variant is associated with the following publications: (PMID: 12938084)

Ambry Genetics
Classification: Uncertain significance for Familial thoracic aortic aneurysm and aortic dissection. Last evaluated: 2020-10-06. Review status: criteria provided, single submitter. Criteria: Ambry Variant Classification Scheme 2023. Collection method: clinical testing. Allele origin: germline.
Comment: The p.S128G variant (also known as c.382A>G), located in coding exon 4 of the FBN1 gene, results from an A to G substitution at nucleotide position 382. The serine at codon 128 is replaced by glycine, an amino acid with similar properties. This amino acid position is well conserved in available vertebrate species. In addition, the in silico prediction for this alteration is inconclusive. Since supporting evidence is limited at this time, the clinical significance of this alteration remains unclear.